The following is an entry in ClinVar:

NM_006767.4(LZTR1):c.85G>C (p.Asp29His)

Genes: LZTR1 (leucine zipper like post translational regulator 1; plus strand), LOC130067016 (ATAC-STARR-seq lymphoblastoid silent region 13504; plus strand). Cytogenetic location: 22q11.21.
Variant type: single nucleotide variant.
Coding change: c.85G>C on transcript NM_006767.4 (MANE Select); coding-DNA position 85, G replaced by C.
Protein change: p.Asp29His; replaces aspartic acid 29 with histidine.
Molecular consequence: missense variant.
Genome position (GRCh38, 1-based): chr22:20,982,456, G>C. VCF-style: chr22-20982456-G-C. GRCh37 (hg19) VCF-style: chr22-21336745-G-C.
Other names: short protein forms D29H.
Identifiers: ClinVar variation 5023767 (VCV005023767.1).

ClinVar aggregate classification (germline): Uncertain significance (1 of 4 stars; one submission).

Conditions:
Cardiovascular phenotype. Identifiers: MedGen CN230736.
Hereditary cancer-predisposing syndrome. Also called: Neoplastic Syndromes, Hereditary; Tumor predisposition; Hereditary neoplastic syndrome; Hereditary Cancer Syndrome. Identifiers: Orphanet 140162, MedGen C0027672, MeSH D009386, MONDO:0015356.

Submission:

Ambry Genetics
Classification: Uncertain significance for Cardiovascular phenotype; Hereditary cancer-predisposing syndrome. Last evaluated: 2026-07-13. Review status: criteria provided, single submitter. Criteria: Ambry Variant Classification Scheme 2023. Collection method: clinical testing. Allele origin: germline.
Comment: The p.D29H variant (also known as c.85G>C), located in coding exon 1 of the LZTR1 gene, results from a G to C substitution at nucleotide position 85. The aspartic acid at codon 29 is replaced by histidine, an amino acid with similar properties. This amino acid position is conserved. In addition, the in silico prediction for this alteration is inconclusive. Based on the available evidence, the clinical significance of this variant remains unclear.